The following is an entry in ClinVar:

ClinVar aggregate classification (germline): Uncertain significance (1 of 4 stars; one submission).

Conditions:
Majeed syndrome (MJDS). Also called: LPIN2-Related Majeed Syndrome; CHRONIC RECURRENT MULTIFOCAL OSTEOMYELITIS 1, WITH CONGENITAL DYSERYTHROPOIETIC ANEMIA, WITH OR WITHOUT NEUTROPHILIC DERMATOSIS. Identifiers: Orphanet 77297, MedGen C1864997, MONDO:0012316, OMIM 609628.

Allele frequency attached by ClinVar (database versions not stated): gnomAD exomes below 0.00001 and 0.00001; ExAC 0.00001.
gnomAD v4.1: 1 of 1,614,124 alleles (0.000062%); highest among the groups gnomAD compares: Non-Finnish European, 0.000085%; no homozygotes.

Submission:

Labcorp Genetics (formerly Invitae), Labcorp
Classification: Uncertain significance for Majeed syndrome. Last evaluated: 2026-01-22. Review status: criteria provided, single submitter. Criteria: Invitae Variant Classification Sherloc (09022015). Collection method: clinical testing. Allele origin: germline.
Comment: This sequence change replaces valine, which is neutral and non-polar, with methionine, which is neutral and non-polar, at codon 832 of the LPIN2 protein (p.Val832Met). This variant is present in population databases (rs773309322, gnomAD 0.006%). This variant has not been reported in the literature in individuals affected with LPIN2-related conditions. ClinVar contains an entry for this variant (Variation ID: 1495254). Invitae Evidence Modeling of protein sequence and biophysical properties (such as structural, functional, and spatial information, amino acid conservation, physicochemical variation, residue mobility, and thermodynamic stability) indicates that this missense variant is expected to disrupt LPIN2 protein function with a positive predictive value of 80%. In summary, the available evidence is currently insufficient to determine the role of this variant in disease. Therefore, it has been classified as a Variant of Uncertain Significance.

NM_001375808.2(LPIN2):c.2494G>A (p.Val832Met)

Gene: LPIN2 (lipin 2; minus strand). Cytogenetic location: 18p11.31.
Variant type: single nucleotide variant.
Coding change: c.2494G>A on transcript NM_001375808.2 (MANE Select); coding-DNA position 2494, G replaced by A.
Protein change: p.Val832Met; replaces valine 832 with methionine.
Molecular consequence: missense variant.
Genome position (GRCh38, 1-based): chr18:2,920,830, C>T on the plus strand (G>A on the coding strand, the complement: LPIN2 is on the minus strand). VCF-style: chr18-2920830-C-T. GRCh37 (hg19) VCF-style: chr18-2920828-C-T.
Other names: c.2494G>A, p.Val832Met (NM_001375809.1, NM_014646.2); short protein forms V832M.
Identifiers: ClinVar variation 1495254 (VCV001495254.6), dbSNP rs773309322, ClinGen allele CA8872701.
Genomic context (GRCh38, chr18:2,920,830, plus strand): 5'-GTACTTACGATGACTTGTTTCCTTTGGTTCTTTCTTGTATTAATTCACCCTTGGGGTTCA[C>T]GGTGAATATTCTACAGTCTGGAACTCCAACTTGTGTGTAGGCATAGACATCCTGCAGAAG-3'
Protein context (NP_001362737.1, residues 822-842): VGVPDCRIFT[Val832Met]NPKGELIQER